The following is an entry in ClinVar:

ClinVar aggregate classification (germline): Likely benign. Review status: criteria provided, multiple submitters, no conflicts (2 of 4 stars). 3 submissions from 3 submitters: Likely benign (2). 1 of the submissions does not count toward it. Last evaluated 2025-07-28.

Conditions:
KIAA1549-related disorder. Also called: KIAA1549-related condition.

Allele frequency attached by ClinVar (database versions not stated): gnomAD 0.00003 and 0.00004; gnomAD exomes 0.00003 and 0.00004; TOPMed 0.00003; ExAC 0.00008.
gnomAD v4.1: 59 of 1,569,382 alleles (0.0038%); highest among the groups gnomAD compares: South Asian, 0.0059%; no homozygotes.

Submissions (3):

Labcorp Genetics (formerly Invitae), Labcorp
Classification: Likely benign. Last evaluated: 2025-07-28. Review status: criteria provided, single submitter. Criteria: Invitae Variant Classification Sherloc (09022015). Collection method: clinical testing. Allele origin: germline.

Blueprint Genetics
Classification: Likely benign. Last evaluated: 2024-11-12. Review status: criteria provided, single submitter. Criteria: ACMG Guidelines, 2015. Collection method: clinical testing. Allele origin: germline.

PreventionGenetics, part of Exact Sciences
Classification: Likely benign for KIAA1549-related condition. Last evaluated: 2023-11-22. Review status: no assertion criteria provided. Collection method: clinical testing. Allele origin: germline. Not counted in ClinVar's aggregate classification.
Comment: This variant is classified as likely benign based on ACMG/AMP sequence variant interpretation guidelines (Richards et al. 2015 PMID: 25741868, with internal and published modifications).

NM_001164665.2(KIAA1549):c.4299G>A (p.Thr1433=)

Gene: KIAA1549 (KIAA1549; minus strand). Cytogenetic location: 7q34.
Variant type: single nucleotide variant.
Coding change: c.4299G>A on transcript NM_001164665.2 (MANE Select); coding-DNA position 4299, G replaced by A.
Protein change: p.Thr1433=; no amino-acid change (threonine 1433 retained).
Molecular consequence: synonymous variant.
Genome position (GRCh38, 1-based): chr7:138,879,584, C>T on the plus strand (G>A on the coding strand, the complement: KIAA1549 is on the minus strand). VCF-style: chr7-138879584-C-T. GRCh37 (hg19) VCF-style: chr7-138564330-C-T.
Other names: c.4299G>A, p.Thr1433= (NM_020910.3); c.4299G>A (NM_001164665.1).
Identifiers: ClinVar variation 1081335 (VCV001081335.12), dbSNP rs138549974, ClinGen allele CA4505951.